The following is an entry in ClinVar:

ClinVar aggregate classification (germline): Uncertain significance (1 of 4 stars; one submission).

Conditions:
Intellectual developmental disorder, autosomal dominant 73 (MRD73). Also called: TAF4-RELATED NDD; TAF4-RELATED NEURODEVELOPMENTAL DISORDER. Identifiers: MedGen C5830636, MONDO:0957536, OMIM 620450.

Submission:

MVZ Medizinische Genetik Mainz
Classification: Uncertain significance for Intellectual developmental disorder, autosomal dominant 73. Last evaluated: 2025-11-28. Review status: criteria provided, single submitter. Criteria: UK Practice Guidelines For Variant Classification V4 01 2020. Collection method: clinical testing. Allele origin: germline. Inheritance: Autosomal dominant inheritance. Affected: yes. Observed: 1 variant allele.
Comment: ACMG Criteria: PVS1_STR,PM2_SUP

NM_003185.4(TAF4):c.303dup (p.Pro102fs)

Gene: TAF4 (TATA-box binding protein associated factor 4; minus strand). Cytogenetic location: 20q13.33.
Variant type: Duplication.
Coding change: c.303dup on transcript NM_003185.4 (MANE Select); coding-DNA position 303, one base duplicated (G; older notation c.303dupG).
Protein change: p.Pro102fs; shifts the reading frame from proline 102.
Molecular consequence: frameshift variant.
Genome position (GRCh38, 1-based): chr20:62,065,508, C duplicated on the plus strand (G on the coding strand, the reverse complement: TAF4 is on the minus strand); the first of 6 consecutive C bases (chr20:62,065,508-62,065,513); duplicating any one gives the same sequence. VCF-style (leftmost placement, unchanged base first): chr20-62065507-G-GC. GRCh37 (hg19) VCF-style: chr20-60640563-G-GC.
Other names: short protein forms P102fs.
Identifiers: ClinVar variation 5038229 (VCV005038229.1).